The following is an entry in ClinVar:

ClinVar aggregate classification (germline): Benign/Likely benign. Review status: criteria provided, multiple submitters, no conflicts (2 of 4 stars). 4 submissions from 4 submitters: Benign (2); Likely benign (1). 1 of the submissions does not count toward it. Last evaluated 2026-01-20.

Conditions:
DYNC2I1-related disorder. Also called: DYNC2I1-related condition.
Short-rib thoracic dysplasia 8 with or without polydactyly (SRTD8). Also called: SHORT-RIB THORACIC DYSPLASIA 8 WITH POLYDACTYLY. Identifiers: Orphanet 93271, MedGen C3809691, MONDO:0014214, OMIM 615503.

Allele frequency attached by ClinVar (database versions not stated): gnomAD exomes 0.00014 and 0.00045; ExAC 0.00061; ESP Exome Variant Server 0.00141; gnomAD 0.00145 and 0.00152; TOPMed 0.00158; 1000 Genomes Project 0.00280; 1000 Genomes Project 30x 0.00281.
gnomAD v4.1: 434 of 1,613,438 alleles (0.027%); highest among the groups gnomAD compares: African/African-American, 0.51%; no homozygotes.

Submissions (4):

Labcorp Genetics (formerly Invitae), Labcorp
Classification: Benign for Short-rib thoracic dysplasia 8 with or without polydactyly. Last evaluated: 2026-01-20. Review status: criteria provided, single submitter. Criteria: Invitae Variant Classification Sherloc (09022015). Collection method: clinical testing. Allele origin: germline.

Blueprint Genetics
Classification: Likely benign. Last evaluated: 2024-07-19. Review status: criteria provided, single submitter. Criteria: ACMG Guidelines, 2015. Collection method: clinical testing. Allele origin: germline.

Breakthrough Genomics
Classification: Benign. Review status: criteria provided, single submitter. Criteria: ACMG Guidelines, 2015. Collection method: not provided. Allele origin: germline. Inheritance: Autosomal recessive inheritance. Affected: yes.

PreventionGenetics, part of Exact Sciences
Classification: Likely benign for DYNC2I1-related condition. Last evaluated: 2023-12-26. Review status: no assertion criteria provided. Collection method: clinical testing. Allele origin: germline. Not counted in ClinVar's aggregate classification.
Comment: This variant is classified as likely benign based on ACMG/AMP sequence variant interpretation guidelines (Richards et al. 2015 PMID: 25741868, with internal and published modifications).

NM_018051.5(DYNC2I1):c.2397C>T (p.Ile799=)

Gene: DYNC2I1 (dynein 2 intermediate chain 1; plus strand). Cytogenetic location: 7q36.3.
Variant type: single nucleotide variant.
Coding change: c.2397C>T on transcript NM_018051.5 (MANE Select); coding-DNA position 2397, C replaced by T.
Protein change: p.Ile799=; no amino-acid change (isoleucine 799 retained).
Molecular consequence: synonymous variant.
Genome position (GRCh38, 1-based): chr7:158,926,427, C>T. VCF-style: chr7-158926427-C-T. GRCh37 (hg19) VCF-style: chr7-158719118-C-T.
Other names: c.2259C>T, p.Ile753= (NM_001350914.2); c.1824C>T, p.Ile608= (NM_001350915.2); c.936C>T, p.Ile312= (NM_001350916.2); c.1149C>T, p.Ile383= (NM_001350917.2, NM_001350918.2).
Identifiers: ClinVar variation 766804 (VCV000766804.14), dbSNP rs116197118, ClinGen allele CA4594984.